The following is an entry in ClinVar:

NM_033517.1:c.2875C>T

Gene: SHANK3 (SH3 and multiple ankyrin repeat domains 3; plus strand).
Variant type: single nucleotide variant.
Other names: c.2875C>T (NM_033517.1).
Identifiers: ClinVar variation 4689805 (VCV004689805.1).

ClinVar aggregate classification (germline): Pathogenic (1 of 4 stars; one submission).

Submission:

GeneDx
Classification: Pathogenic. Last evaluated: 2025-07-31. Review status: criteria provided, single submitter. Criteria: GeneDx Variant Classification Process June 2021. Collection method: clinical testing. Allele origin: germline. Affected: yes.
Comment: Nonsense variant predicted to result in protein truncation or nonsense mediated decay in a gene for which loss of function is a known mechanism of disease; Not observed at significant frequency in large population cohorts (gnomAD); Has not been previously published as pathogenic or benign to our knowledge